The following is an entry in ClinVar:

ClinVar aggregate classification (germline): Likely pathogenic (1 of 4 stars; one submission).

Conditions:
Developmental and epileptic encephalopathy, 13 (DEE13). Also called: Early infantile epileptic encephalopathy 13; Developmental and Epileptic Encephalopathy (SCN8A-DEE); SCN8A-Related Epilepsy. Identifiers: Orphanet 442835, MedGen C3281191, MONDO:0013801, OMIM 614558.

Submission:

Department of Neurology, Zibo Changguo Hospital
Classification: Likely pathogenic for Developmental and epileptic encephalopathy, 13. Last evaluated: 2025-01-10. Review status: criteria provided, single submitter. Criteria: ACMG Guidelines, 2015. Collection method: clinical testing. Allele origin: de novo. Inheritance: Autosomal dominant inheritance. Affected: yes.
Comment: PM1, PM6, PP3_Moderate, PM2_Supporting

NM_001330260.2(SCN8A):c.2942G>C (p.Ser981Thr)

Gene: SCN8A (sodium voltage-gated channel alpha subunit 8; plus strand). Cytogenetic location: 12q13.13.
Variant type: single nucleotide variant.
Coding change: c.2942G>C on transcript NM_001330260.2 (MANE Select); coding-DNA position 2942, G replaced by C.
Protein change: p.Ser981Thr; replaces serine 981 with threonine.
Molecular consequence: missense variant.
Genome position (GRCh38, 1-based): chr12:51,768,905, G>C. VCF-style: chr12-51768905-G-C. GRCh37 (hg19) VCF-style: chr12-52162689-G-C.
Other names: c.2942G>C, p.Ser981Thr (NM_001177984.3, NM_001369788.1, NM_014191.4); short protein forms S981T.
Identifiers: ClinVar variation 3770212 (VCV003770212.1).